The following is an entry in ClinVar:

ClinVar aggregate classification (germline): Benign (1 of 4 stars; one submission).

Conditions:
Erythrocytosis, familial, 3 (ECYT3). Identifiers: Orphanet 247511, MedGen C1853286, MONDO:0012353, OMIM 609820.

Allele frequency attached by ClinVar (database versions not stated): 1000 Genomes Project 30x 0.00671; 1000 Genomes Project 0.00659; gnomAD 0.00989; TOPMed 0.01324; gnomAD exomes 0.01389.

Submission:

Illumina Laboratory Services, Illumina
Classification: Benign for Erythrocytosis, familial, 3. Last evaluated: 2018-01-13. Review status: criteria provided, single submitter. Criteria: ICSL Variant Classification Criteria 13 December 2019. Collection method: clinical testing. Allele origin: germline.
Comment: This variant was observed in the ICSL laboratory as part of a predisposition screen in an ostensibly healthy population. It had not been previously curated by ICSL or reported in the Human Gene Mutation Database (HGMD: prior to June 1st, 2018), and was therefore a candidate for classification through an automated scoring system. Utilizing variant allele frequency, disease prevalence and penetrance estimates, and inheritance mode, an automated score was calculated to assess if this variant is too frequent to cause the disease. Based on the score and internal cut-off values, a variant classified as benign is not then subjected to further curation. The score for this variant resulted in a classification of benign for this disease.

NM_022051.2(EGLN1):c.-420C>G

Gene: EGLN1 (egl-9 family hypoxia inducible factor 1; minus strand). Cytogenetic location: 1q42.2.
Variant type: single nucleotide variant.
Coding change: c.-420C>G on transcript NM_022051.2; 420 bases upstream of the start codon, C replaced by G.
Genome position (GRCh38, 1-based): chr1:231,422,308, G>C on the plus strand (C>G on the coding strand, the complement: EGLN1 is on the minus strand). VCF-style: chr1-231422308-G-C. GRCh37 (hg19) VCF-style: chr1-231558054-G-C.
Identifiers: ClinVar variation 296203 (VCV000296203.7), dbSNP rs533281866, ClinGen allele CA10610314.